The following is an entry in ClinVar:

NM_001184.4(ATR):c.946G>C (p.Val316Leu)

Gene: ATR (ATR checkpoint kinase; minus strand). Cytogenetic location: 3q23.
Variant type: single nucleotide variant.
Coding change: c.946G>C on transcript NM_001184.4 (MANE Select); coding-DNA position 946, G replaced by C.
Protein change: p.Val316Leu; replaces valine 316 with leucine.
Molecular consequence: missense variant.
Genome position (GRCh38, 1-based): chr3:142,562,456, C>G on the plus strand (G>C on the coding strand, the complement: ATR is on the minus strand). VCF-style: chr3-142562456-C-G. GRCh37 (hg19) VCF-style: chr3-142281298-C-G.
Other names: c.946G>C, p.Val316Leu (NM_001354579.2); short protein forms V316L.
Identifiers: ClinVar variation 1767069 (VCV001767069.2), dbSNP rs28897764, ClinGen allele CA354824478.

ClinVar aggregate classification (germline): Uncertain significance (1 of 4 stars; one submission).

Conditions:
Inborn genetic diseases. Identifiers: MedGen C0950123, MeSH D030342.

Submission:

Ambry Genetics
Classification: Uncertain significance for Inborn genetic diseases. Last evaluated: 2021-11-30. Review status: criteria provided, single submitter. Criteria: Ambry Variant Classification Scheme 2023. Collection method: clinical testing. Allele origin: germline.
Comment: The p.V316L variant (also known as c.946G>C), located in coding exon 4 of the ATR gene, results from a G to C substitution at nucleotide position 946. The valine at codon 316 is replaced by leucine, an amino acid with highly similar properties. This amino acid position is conserved. In addition, this alteration is predicted to be tolerated by in silico analysis. Since supporting evidence is limited at this time, the clinical significance of this alteration remains unclear.